The following is an entry in ClinVar:

ClinVar aggregate classification (germline): Uncertain significance (1 of 4 stars; one submission).

gnomAD v4.1: 10 of 1,612,354 alleles (0.00062%); highest among the groups gnomAD compares: Middle Eastern, 0.02%; no homozygotes.

Submission:

Labcorp Genetics (formerly Invitae), Labcorp
Classification: Uncertain significance. Last evaluated: 2024-11-04. Review status: criteria provided, single submitter. Criteria: Invitae Variant Classification Sherloc (09022015). Collection method: clinical testing. Allele origin: germline.
Comment: This sequence change replaces proline, which is neutral and non-polar, with leucine, which is neutral and non-polar, at codon 306 of the MYLK3 protein (p.Pro306Leu). This variant is present in population databases (rs267604551, gnomAD 0.006%). This variant has not been reported in the literature in individuals affected with MYLK3-related conditions. An algorithm developed to predict the effect of missense changes on protein structure and function (PolyPhen-2) suggests that this variant is likely to be tolerated. In summary, the available evidence is currently insufficient to determine the role of this variant in disease. Therefore, it has been classified as a Variant of Uncertain Significance.

NM_182493.3(MYLK3):c.917C>T (p.Pro306Leu)

Gene: MYLK3 (myosin light chain kinase 3; minus strand). Cytogenetic location: 16q11.2.
Variant type: single nucleotide variant.
Coding change: c.917C>T on transcript NM_182493.3 (MANE Select); coding-DNA position 917, C replaced by T.
Protein change: p.Pro306Leu; replaces proline 306 with leucine.
Molecular consequence: missense variant. On other transcripts: intron variant (1).
Genome position (GRCh38, 1-based): chr16:46,737,795, G>A on the plus strand (C>T on the coding strand, the complement: MYLK3 is on the minus strand). VCF-style: chr16-46737795-G-A. GRCh37 (hg19) VCF-style: chr16-46771707-G-A.
Other names: c.-23+2262C>T (NM_001308301.1); short protein forms P306L.
Identifiers: ClinVar variation 3683900 (VCV003683900.2), dbSNP rs267604551.
Genomic context (GRCh38, chr16:46,737,795, plus strand): 5'-TGGGTTGCCCTGGCCTGGGCTGGCAGCCCTGGAGGCCCTGGGCACTGAGGGCCAGGCCCT[G>A]GAGTCAGCCTCGTGCCTTCCTCTAAGGGCTCAGGGTCAGGCCTGCTGGACGATGCTCCTT-3'
Protein context (NP_872299.2, residues 296-316): EPLEEGTRLT[Pro306Leu]GPGPQCPGPP